The following is an entry in ClinVar:

NM_000400.4(ERCC2):c.1366A>G (p.Ile456Val)

Gene: ERCC2 (ERCC excision repair 2, TFIIH core complex helicase subunit; minus strand). Cytogenetic location: 19q13.32.
Variant type: single nucleotide variant.
Coding change: c.1366A>G on transcript NM_000400.4 (MANE Select); coding-DNA position 1366, A replaced by G.
Protein change: p.Ile456Val; replaces isoleucine 456 with valine.
Molecular consequence: missense variant.
Genome position (GRCh38, 1-based): chr19:45,357,485, T>C on the plus strand (A>G on the coding strand, the complement: ERCC2 is on the minus strand). VCF-style: chr19-45357485-T-C. GRCh37 (hg19) VCF-style: chr19-45860743-T-C.
Other names: short protein forms I456V.
Identifiers: ClinVar variation 1350114 (VCV001350114.3), dbSNP rs751181061, ClinGen allele CA9513337.

ClinVar aggregate classification (germline): Uncertain significance (1 of 4 stars; one submission).

Allele frequency attached by ClinVar (database versions not stated): TOPMed 0.00001; gnomAD exomes 0.00002; ExAC 0.00002; gnomAD 0.00002.
gnomAD v4.1: 36 of 1,613,894 alleles (0.0022%); highest among the groups gnomAD compares: Middle Eastern, 0.016%; no homozygotes.

Submission:

Labcorp Genetics (formerly Invitae), Labcorp
Classification: Uncertain significance. Last evaluated: 2022-10-04. Review status: criteria provided, single submitter. Criteria: Invitae Variant Classification Sherloc (09022015). Collection method: clinical testing. Allele origin: germline.
Comment: This sequence change replaces isoleucine, which is neutral and non-polar, with valine, which is neutral and non-polar, at codon 456 of the ERCC2 protein (p.Ile456Val). The frequency data for this variant in the population databases is considered unreliable, as metrics indicate poor data quality at this position in the gnomAD database. This variant has not been reported in the literature in individuals affected with ERCC2-related conditions. ClinVar contains an entry for this variant (Variation ID: 1350114). Advanced modeling of protein sequence and biophysical properties (such as structural, functional, and spatial information, amino acid conservation, physicochemical variation, residue mobility, and thermodynamic stability) performed at Invitae indicates that this missense variant is not expected to disrupt ERCC2 protein function. In summary, the available evidence is currently insufficient to determine the role of this variant in disease. Therefore, it has been classified as a Variant of Uncertain Significance.